The following is an entry in ClinVar:

ClinVar aggregate classification (germline): Uncertain significance (1 of 4 stars; one submission).

Submission:

Labcorp Genetics (formerly Invitae), Labcorp
Classification: Uncertain significance. Last evaluated: 2022-08-08. Review status: criteria provided, single submitter. Criteria: Invitae Variant Classification Sherloc (09022015). Collection method: clinical testing. Allele origin: germline.
Comment: In summary, the available evidence is currently insufficient to determine the role of this variant in disease. Therefore, it has been classified as a Variant of Uncertain Significance. Algorithms developed to predict the effect of missense changes on protein structure and function are either unavailable or do not agree on the potential impact of this missense change (SIFT: "Deleterious"; PolyPhen-2: "Probably Damaging"; Align-GVGD: "Class C0"). This variant has not been reported in the literature in individuals affected with DMXL2-related conditions. This variant is not present in population databases (gnomAD no frequency). This sequence change replaces glycine, which is neutral and non-polar, with valine, which is neutral and non-polar, at codon 2782 of the DMXL2 protein (p.Gly2782Val).

NM_001378457.1(DMXL2):c.8408G>T (p.Gly2803Val)

Gene: DMXL2 (Dmx like 2; minus strand). Cytogenetic location: 15q21.2.
Variant type: single nucleotide variant.
Coding change: c.8408G>T on transcript NM_001378457.1 (MANE Select); coding-DNA position 8408, G replaced by T.
Protein change: p.Gly2803Val; replaces glycine 2803 with valine.
Molecular consequence: missense variant. On other transcripts: non-coding transcript variant (2).
Genome position (GRCh38, 1-based): chr15:51,456,184, C>A on the plus strand (G>T on the coding strand, the complement: DMXL2 is on the minus strand). VCF-style: chr15-51456184-C-A. GRCh37 (hg19) VCF-style: chr15-51748381-C-A.
Other names: c.8345G>T, p.Gly2782Val (NM_001174116.3); c.6434G>T, p.Gly2145Val (NM_001174117.3); c.8405G>T, p.Gly2802Val (NM_001378458.1); c.8120G>T, p.Gly2707Val (NM_001378459.1); c.6323G>T, p.Gly2108Val (NM_001378460.1); c.8342G>T, p.Gly2781Val (NM_015263.5); short protein forms G2108V, G2145V, G2707V, G2781V, G2782V, G2802V, G2803V.
Identifiers: ClinVar variation 1715694 (VCV001715694.5), dbSNP rs2542981371, ClinGen allele CA392434202.